The following is an entry in ClinVar:

NM_001371986.1(UNC80):c.2973C>T (p.Gly991=)

Gene: UNC80 (unc-80 subunit of NALCN channel complex; plus strand). Cytogenetic location: 2q34.
Variant type: single nucleotide variant.
Coding change: c.2973C>T on transcript NM_001371986.1 (MANE Select); coding-DNA position 2973, C replaced by T.
Protein change: p.Gly991=; no amino-acid change (glycine 991 retained).
Molecular consequence: synonymous variant.
Genome position (GRCh38, 1-based): chr2:209,834,942, C>T. VCF-style: chr2-209834942-C-T. GRCh37 (hg19) VCF-style: chr2-210699666-C-T.
Other names: c.2973C>T, p.Gly991= (NM_032504.2); c.2958C>T, p.Gly986= (NM_182587.4).
Identifiers: ClinVar variation 1354541 (VCV001354541.6), dbSNP rs189909749, ClinGen allele CA64681322.

ClinVar aggregate classification (germline): Uncertain significance (1 of 4 stars; one submission).

gnomAD v4.1: 1 of 1,550,912 alleles (0.000064%); highest among the groups gnomAD compares: East Asian, 0.0024%; no homozygotes.

Submission:

Labcorp Genetics (formerly Invitae), Labcorp
Classification: Uncertain significance. Last evaluated: 2022-11-01. Review status: criteria provided, single submitter. Criteria: Invitae Variant Classification Sherloc (09022015). Collection method: clinical testing. Allele origin: germline.
Comment: In summary, the available evidence is currently insufficient to determine the role of this variant in disease. Therefore, it has been classified as a Variant of Uncertain Significance. Algorithms developed to predict the effect of sequence changes on RNA splicing suggest that this variant may disrupt the consensus splice site. ClinVar contains an entry for this variant (Variation ID: 1354541). This variant has not been reported in the literature in individuals affected with UNC80-related conditions. This variant is not present in population databases (gnomAD no frequency). This sequence change affects codon 991 of the UNC80 mRNA. It is a 'silent' change, meaning that it does not change the encoded amino acid sequence of the UNC80 protein.